The following is an entry in ClinVar:

NM_000293.3(PHKB):c.1699C>T (p.Arg567Cys)

Gene: PHKB (phosphorylase kinase regulatory subunit beta; plus strand). Cytogenetic location: 16q12.1.
Variant type: single nucleotide variant.
Coding change: c.1699C>T on transcript NM_000293.3 (MANE Select); coding-DNA position 1699, C replaced by T.
Protein change: p.Arg567Cys; replaces arginine 567 with cysteine.
Molecular consequence: missense variant.
Genome position (GRCh38, 1-based): chr16:47,649,106, C>T. VCF-style: chr16-47649106-C-T. GRCh37 (hg19) VCF-style: chr16-47683017-C-T.
Other names: c.1678C>T, p.Arg560Cys (NM_001031835.3); c.1699C>T, p.Arg567Cys (NM_001363837.1); short protein forms R567C, R560C.
Identifiers: ClinVar variation 3212234 (VCV003212234.3), dbSNP rs771991962, ClinGen allele CA8040939.

ClinVar aggregate classification (germline): Uncertain significance. Review status: criteria provided, multiple submitters, no conflicts (2 of 4 stars). 2 submissions from 2 submitters: Uncertain significance (2). Last evaluated 2024-08-22.

Conditions:
Glycogen storage disease IXb (GSD9B). Also called: GLYCOGENOSIS OF LIVER AND MUSCLE, AUTOSOMAL RECESSIVE; GSD IXb; PHOSPHORYLASE KINASE DEFICIENCY OF LIVER AND MUSCLE, AUTOSOMAL RECESSIVE. Identifiers: Orphanet 79240, MedGen C0543514, MONDO:0009868, OMIM 261750.
Inborn genetic diseases. Identifiers: MedGen C0950123, MeSH D030342.

Allele frequency attached by ClinVar (database versions not stated): gnomAD exomes below 0.00001; ExAC 0.00001; gnomAD 0.00001.
gnomAD v4.1: 7 of 1,577,504 alleles (0.00044%); highest among the groups gnomAD compares: African/African-American, 0.0013%; no homozygotes.

Submissions (2):

Labcorp Genetics (formerly Invitae), Labcorp
Classification: Uncertain significance for Glycogen storage disease IXb. Last evaluated: 2024-08-22. Review status: criteria provided, single submitter. Criteria: Invitae Variant Classification Sherloc (09022015). Collection method: clinical testing. Allele origin: germline.
Comment: This sequence change replaces arginine, which is basic and polar, with cysteine, which is neutral and slightly polar, at codon 567 of the PHKB protein (p.Arg567Cys). This variant is present in population databases (rs771991962, gnomAD 0.004%). This variant has not been reported in the literature in individuals affected with PHKB-related conditions. An algorithm developed to predict the effect of missense changes on protein structure and function (PolyPhen-2) suggests that this variant is likely to be disruptive. In summary, the available evidence is currently insufficient to determine the role of this variant in disease. Therefore, it has been classified as a Variant of Uncertain Significance.

Ambry Genetics
Classification: Uncertain significance for Inborn genetic diseases. Last evaluated: 2023-10-27. Review status: criteria provided, single submitter. Criteria: Ambry Variant Classification Scheme 2023. Collection method: clinical testing. Allele origin: germline.